The following is an entry in ClinVar:

ClinVar aggregate classification (germline): Uncertain significance (1 of 4 stars; one submission).

Conditions:
Cryopyrin associated periodic syndrome (CAPS). Identifiers: Orphanet 208650, MedGen C2316212, MONDO:0016168.

gnomAD v4.1: 18 of 1,614,112 alleles (0.0011%); highest among the groups gnomAD compares: Middle Eastern, 0.016%; no homozygotes.

Submission:

Labcorp Genetics (formerly Invitae), Labcorp
Classification: Uncertain significance for Cryopyrin associated periodic syndrome. Last evaluated: 2025-10-09. Review status: criteria provided, single submitter. Criteria: Invitae Variant Classification Sherloc (09022015). Collection method: clinical testing. Allele origin: germline.
Comment: This sequence change replaces valine, which is neutral and non-polar, with leucine, which is neutral and non-polar, at codon 945 of the NLRP3 protein (p.Val945Leu). This variant is present in population databases (no rsID available, gnomAD 0.003%). This variant has not been reported in the literature in individuals affected with NLRP3-related conditions. Invitae Evidence Modeling of protein sequence and biophysical properties (such as structural, functional, and spatial information, amino acid conservation, physicochemical variation, residue mobility, and thermodynamic stability) indicates that this missense variant is not expected to disrupt NLRP3 protein function with a negative predictive value of 95%. In summary, the available evidence is currently insufficient to determine the role of this variant in disease. Therefore, it has been classified as a Variant of Uncertain Significance.

NM_001243133.2(NLRP3):c.2827G>T (p.Val943Leu)

Gene: NLRP3 (NLR family pyrin domain containing 3; plus strand). Cytogenetic location: 1q44.
Variant type: single nucleotide variant.
Coding change: c.2827G>T on transcript NM_001243133.2 (MANE Select); coding-DNA position 2827, G replaced by T.
Protein change: p.Val943Leu; replaces valine 943 with leucine.
Molecular consequence: missense variant.
Genome position (GRCh38, 1-based): chr1:247,444,135, G>T. VCF-style: chr1-247444135-G-T. GRCh37 (hg19) VCF-style: chr1-247607437-G-T.
Other names: c.2827G>T, p.Val943Leu (NM_001079821.3); c.2656G>T, p.Val886Leu (NM_001127461.3, NM_001127462.3); c.2833G>T, p.Val945Leu (NM_004895.5); c.2485G>T, p.Val829Leu (NM_183395.3); short protein forms V886L, V945L, V943L, V829L.
Identifiers: ClinVar variation 4754416 (VCV004754416.1).
Genomic context (GRCh38, chr1:247,444,135, plus strand): 5'-GGAGACAAGGGGATCAAACTACTCTGTGAGGGACTCTTGCACCCCGACTGCAAGCTTCAG[G>T]TGTTGGAGTAAGTCCTTTGGTTTATTACAGCAATGAGAACACATGGTGGCCAAGGGTGGA-3'
Protein context (NP_001230062.1, residues 933-953): GLLHPDCKLQ[Val943Leu]LELDNCNLTS